The following is an entry in ClinVar:

NM_005912.3(MC4R):c.692G>A (p.Gly231Asp)

Gene: MC4R (melanocortin 4 receptor; minus strand). Cytogenetic location: 18q21.32.
Variant type: single nucleotide variant.
Coding change: c.692G>A on transcript NM_005912.3 (MANE Select); coding-DNA position 692, G replaced by A.
Protein change: p.Gly231Asp; replaces glycine 231 with aspartic acid.
Molecular consequence: missense variant.
Genome position (GRCh38, 1-based): chr18:60,371,658, C>T on the plus strand (G>A on the coding strand, the complement: MC4R is on the minus strand). VCF-style: chr18-60371658-C-T. GRCh37 (hg19) VCF-style: chr18-58038891-C-T.
Other names: short protein forms G231D.
Identifiers: ClinVar variation 4994031 (VCV004994031.1).
Genomic context (GRCh38, chr18:60,371,658, plus strand): 5'-ATCAGGATGGTCAAGGTAATCGCTCCCTTCATATTGGCACCTTGGCGGATGGCACCAGTG[C>T]CGGGGAGGACAGCAATCCTCTTAATGTGAAGCCTGGCCATCAGGAACATGTGGACATAGA-3'
Protein context (NP_005903.2, residues 221-241): LHIKRIAVLP[Gly231Asp]TGAIRQGANM

ClinVar aggregate classification (germline): Uncertain significance (1 of 4 stars; one submission).

Conditions:
MC4R-related disorder. Also called: MC4R-related condition.

gnomAD v4.1: 2 of 1,614,036 alleles (0.00012%); highest among the groups gnomAD compares: Non-Finnish European, 0.000085%; no homozygotes.

Submission:

PreventionGenetics, part of Exact Sciences
Classification: Uncertain significance for MC4R-related condition. Last evaluated: 2025-10-19. Review status: criteria provided, single submitter. Criteria: ACMG Guidelines, 2015. Collection method: clinical testing. Allele origin: germline.
Comment: The MC4R c.692G>A variant is predicted to result in the amino acid substitution p.Gly231Asp. To our knowledge, this variant has not been reported in the literature or in a large population database (gnomAD), indicating this variant is rare. At this time, the clinical significance of this variant is uncertain due to the absence of conclusive functional and genetic evidence.